The following is an entry in ClinVar:

NM_000218.3(KCNQ1):c.1506C>T (p.His502=)

Genes: KCNQ1 (potassium voltage-gated channel subfamily Q member 1; plus strand), KCNQ1OT1 (KCNQ1 opposite strand/antisense transcript 1; minus strand). Cytogenetic location: 11p15.5.
Variant type: single nucleotide variant.
Coding change: c.1506C>T on transcript NM_000218.3 (MANE Select); coding-DNA position 1506, C replaced by T.
Protein change: p.His502=; no amino-acid change (histidine 502 retained).
Molecular consequence: synonymous variant. On other transcripts: non-coding transcript variant (1).
Genome position (GRCh38, 1-based): chr11:2,662,073, C>T. VCF-style: chr11-2662073-C-T. GRCh37 (hg19) VCF-style: chr11-2683303-C-T.
Other names: c.1410C>T, p.His470= (NM_001406836.1); c.1236C>T, p.His412= (NM_001406837.1); c.966C>T, p.His322= (NM_001406838.1); c.1125C>T, p.His375= (NM_181798.2).
Identifiers: ClinVar variation 3071587 (VCV003071587.1), dbSNP rs1214860768, ClinGen allele CA472236334.

ClinVar aggregate classification (germline): Uncertain significance (1 of 4 stars; one submission).

Conditions:
Long QT syndrome (LQTS). Identifiers: MedGen C0023976, MeSH D008133, MONDO:0002442. Disease mechanism: loss of function. Inheritance: Various modes of inheritance.

Allele frequency attached by ClinVar (database versions not stated): TOPMed below 0.00001.

Submission:

All of Us Research Program, National Institutes of Health
Classification: Uncertain significance for Long QT syndrome. Last evaluated: 2023-06-08. Review status: criteria provided, single submitter. Criteria: ACMG Guidelines, 2015. Collection method: clinical testing. Allele origin: germline. Inheritance: Autosomal dominant inheritance. Observed: 1 variant allele, 1 heterozygote.
Comment: This variant is located in the KCNQ1 protein. To our knowledge, functional studies have not been reported for this variant. This variant has not been reported in individuals affected with KCNQ1-related disorders in the literature. This variant has not been identified in the general population by the Genome Aggregation Database (gnomAD). The available evidence is insufficient to determine the role of this variant in disease conclusively. Therefore, this variant is classified as a Variant of Uncertain Significance.

This study involves interpretation of variants in research participants for the purpose of population health screening. Participant phenotype was not available at the time of variant classification. Additional details can be found in publication PMID: 35346344, PMCID: PMC8962531